The following is an entry in ClinVar:

NM_001909.5(CTSD):c.1072-7G>A

Gene: CTSD (cathepsin D; minus strand). Cytogenetic location: 11p15.5.
Variant type: single nucleotide variant.
Coding change: c.1072-7G>A on transcript NM_001909.5 (MANE Select); 7 bases into the intron before coding-DNA position 1072, G replaced by A.
Molecular consequence: intron variant.
Genome position (GRCh38, 1-based): chr11:1,753,677, C>T on the plus strand (G>A on the coding strand, the complement: CTSD is on the minus strand). VCF-style: chr11-1753677-C-T. GRCh37 (hg19) VCF-style: chr11-1774907-C-T.
Identifiers: ClinVar variation 128870 (VCV000128870.52), dbSNP rs149019571, ClinGen allele CA288796.
Genomic context (GRCh38, chr11:1,753,677, plus strand): 5'-GATGTCCATGCCCATGAAGCCGCTCAGGCAGAGGGTCTTCCCGGCCTGCGACACCTGGGA[C>T]GGCCCTGGTGGTCAGTACCCAGGCCTAGCACCACCCGCCCCCCCACCTGTTGCCCGCTCA-3'

ClinVar aggregate classification (germline): Benign/Likely benign. Review status: criteria provided, multiple submitters, no conflicts (2 of 4 stars). 12 submissions from 11 submitters: Benign (5); Likely benign (2). 5 of the submissions do not count toward it. Last evaluated 2026-08-01.

Conditions:
Neuronal ceroid lipofuscinosis. Also called: Neuronal Ceroid Lipofuscinoses. Identifiers: Orphanet 216, Orphanet 79263, MedGen C0027877, MONDO:0016295. Disease mechanism: loss of function.
Neuronal ceroid lipofuscinosis 10 (CLN10). Also called: CTSD-Related Neuronal Ceroid-Lipofuscinosis; NEURONAL CEROID LIPOFUSCINOSIS DUE TO CATHEPSIN D DEFICIENCY. Identifiers: Orphanet 228337, MedGen C1864669, MONDO:0012414, OMIM 610127.

Allele frequency attached by ClinVar (database versions not stated): 1000 Genomes Project 0.00339; 1000 Genomes Project 30x 0.00359; TOPMed 0.00493; gnomAD exomes 0.00522; ExAC 0.00525; gnomAD 0.00550 and 0.00560; ESP Exome Variant Server 0.00731.
gnomAD v4.1: 13,723 of 1,612,638 alleles (0.85%); highest among the groups gnomAD compares: Non-Finnish European, 1%; 80 homozygotes.

Submissions (12):

CeGaT Center for Human Genetics Tuebingen
Classification: Benign. Last evaluated: 2026-08-01. Review status: criteria provided, single submitter. Criteria: CeGaT Center For Human Genetics Tuebingen Variant Classification Criteria Version 2. Collection method: clinical testing. Allele origin: germline. Affected: yes. Observed: 8 variant alleles.
Comment: CTSD: BP4, BS1, BS2

Labcorp Genetics (formerly Invitae), Labcorp
Classification: Benign for Neuronal ceroid lipofuscinosis. Last evaluated: 2026-02-03. Review status: criteria provided, single submitter. Criteria: Invitae Variant Classification Sherloc (09022015). Collection method: clinical testing. Allele origin: germline.

ARUP Laboratories, Molecular Genetics and Genomics, ARUP Laboratories
Classification: Benign for Neuronal ceroid lipofuscinosis 10. Last evaluated: 2025-04-25. Review status: criteria provided, single submitter. Criteria: ARUP Molecular Germline Variant Investigation Process 2024. Collection method: clinical testing. Allele origin: germline.

Illumina Laboratory Services, Illumina
Classification: Likely benign for Neuronal ceroid lipofuscinosis 10. Last evaluated: 2018-01-13. Review status: criteria provided, single submitter. Criteria: ICSL Variant Classification Criteria 13 December 2019. Collection method: clinical testing. Allele origin: germline.
Comment: This variant was observed in the ICSL laboratory as part of a predisposition screen in an ostensibly healthy population. It had not been previously curated by ICSL or reported in the Human Gene Mutation Database (HGMD: prior to June 1st, 2018), and was therefore a candidate for classification through an automated scoring system. Utilizing variant allele frequency, disease prevalence and penetrance estimates, and inheritance mode, an automated score was calculated to assess if this variant is too frequent to cause the disease. Based on the score and internal cut-off values, a variant classified as likely benign is not then subjected to further curation. The score for this variant resulted in a classification of likely benign for this disease.

Genome Diagnostics Laboratory, University Medical Center Utrecht
Classification: Benign for Neuronal ceroid lipofuscinosis 10. Last evaluated: 2014-10-09. Review status: criteria provided, single submitter. Criteria: ACGS Guidelines, 2013. Collection method: clinical testing. Allele origin: germline. Affected: yes. Study: VKGL Data-share Consensus.

GeneDx
Classification: Benign. Last evaluated: 2013-04-18. Review status: criteria provided, single submitter. Criteria: GeneDx Variant Classification (06012015). Collection method: clinical testing. Allele origin: germline. Affected: yes.
Comment: This variant is considered likely benign or benign based on one or more of the following criteria: it is a conservative change, it occurs at a poorly conserved position in the protein, it is predicted to be benign by multiple in silico algorithms, and/or has population frequency not consistent with disease.

Breakthrough Genomics
Classification: Likely benign. Review status: criteria provided, single submitter. Criteria: ACMG Guidelines, 2015. Collection method: not provided. Allele origin: germline. Inheritance: Autosomal recessive inheritance. Affected: yes.

Mayo Clinic Laboratories, Mayo Clinic
Classification: Likely benign. Last evaluated: 2017-12-01. Review status: no assertion criteria provided. Collection method: clinical testing. Allele origin: unknown. Not counted in ClinVar's aggregate classification.

Genome Diagnostics Laboratory, Amsterdam University Medical Center
Classification: Likely benign for Neuronal ceroid lipofuscinosis 10. Last evaluated: 2016-09-21. Review status: no assertion criteria provided. Criteria: ACGS Guidelines, 2013. Collection method: clinical testing. Allele origin: germline. Affected: yes. Study: VKGL Data-share Consensus. Not counted in ClinVar's aggregate classification.

Diagnostic Laboratory, Department of Genetics, University Medical Center Groningen
Classification: Likely benign for Neuronal ceroid lipofuscinosis 10. Review status: no assertion criteria provided. Collection method: clinical testing. Allele origin: germline. Affected: yes. Study: VKGL Data-share Consensus. Not counted in ClinVar's aggregate classification.

Genetic Services Laboratory, University of Chicago
Classification: Likely benign for AllHighlyPenetrant. Review status: no assertion criteria provided. Collection method: clinical testing. Allele origin: germline. Inheritance: Autosomal recessive inheritance. Not counted in ClinVar's aggregate classification.
Comment: Likely benign based on allele frequency in 1000 Genomes Project or ESP global frequency and its presence in a patient with a rare or unrelated disease phenotype. NOT Sanger confirmed.

Genome Diagnostics Laboratory, Amsterdam University Medical Center
Classification: Benign. Review status: no assertion criteria provided. Collection method: clinical testing. Allele origin: germline. Affected: yes. Study: VKGL Data-share Consensus. Not counted in ClinVar's aggregate classification.